The following is an entry in ClinVar:

ClinVar aggregate classification (germline): Uncertain significance (1 of 4 stars; one submission).

Conditions:
Schuurs-Hoeijmakers syndrome. Also called: PACS1-Related Neurodevelopmental Disorder. Identifiers: Orphanet 329224, MedGen C3554343, MONDO:0014006, OMIM 615009.

gnomAD v4.1: 2 of 1,584,294 alleles (0.00013%); highest among the groups gnomAD compares: African/African-American, 0.0013%; no homozygotes.

Submission:

Labcorp Genetics (formerly Invitae), Labcorp
Classification: Uncertain significance for Schuurs-Hoeijmakers syndrome. Last evaluated: 2025-03-30. Review status: criteria provided, single submitter. Criteria: Invitae Variant Classification Sherloc (09022015). Collection method: clinical testing. Allele origin: germline.
Comment: This sequence change replaces proline, which is neutral and non-polar, with leucine, which is neutral and non-polar, at codon 761 of the PACS1 protein (p.Pro761Leu). This variant is not present in population databases (gnomAD no frequency). This variant has not been reported in the literature in individuals affected with PACS1-related conditions. Invitae Evidence Modeling of protein sequence and biophysical properties (such as structural, functional, and spatial information, amino acid conservation, physicochemical variation, residue mobility, and thermodynamic stability) indicates that this missense variant is not expected to disrupt PACS1 protein function with a negative predictive value of 80%. In summary, the available evidence is currently insufficient to determine the role of this variant in disease. Therefore, it has been classified as a Variant of Uncertain Significance.

NM_018026.4(PACS1):c.2282C>T (p.Pro761Leu)

Gene: PACS1 (phosphofurin acidic cluster sorting protein 1; plus strand). Cytogenetic location: 11q13.2.
Variant type: single nucleotide variant.
Coding change: c.2282C>T on transcript NM_018026.4 (MANE Select); coding-DNA position 2282, C replaced by T.
Protein change: p.Pro761Leu; replaces proline 761 with leucine.
Molecular consequence: missense variant.
Genome position (GRCh38, 1-based): chr11:66,238,835, C>T. VCF-style: chr11-66238835-C-T. GRCh37 (hg19) VCF-style: chr11-66006306-C-T.
Other names: short protein forms P761L.
Identifiers: ClinVar variation 4798404 (VCV004798404.1).
Genomic context (GRCh38, chr11:66,238,835, plus strand): 5'-TCTAATGAGTGCCTCTTCTCTCCTTGCAGGTGGTGAAGGTGGGTCTGGTTGAAGACTCTC[C>T]CTCCACAGCAGGTGAGGCTGGGGCTCCCTTGTTCTGTGGAGTGAGGCTGGTGCCCTCCCT-3'
Protein context (NP_060496.2, residues 751-771): VVKVGLVEDS[Pro761Leu]STAGDGDDSP